The following is an entry in ClinVar:

NM_004304.5(ALK):c.2440T>G (p.Trp814Gly)

Gene: ALK (ALK receptor tyrosine kinase; minus strand). Cytogenetic location: 2p23.2.
Variant type: single nucleotide variant.
Coding change: c.2440T>G on transcript NM_004304.5 (MANE Select); coding-DNA position 2440, T replaced by G.
Protein change: p.Trp814Gly; replaces tryptophan 814 with glycine.
Molecular consequence: missense variant.
Genome position (GRCh38, 1-based): chr2:29,233,612, A>C on the plus strand (T>G on the coding strand, the complement: ALK is on the minus strand). VCF-style: chr2-29233612-A-C. GRCh37 (hg19) VCF-style: chr2-29456478-A-C.
Other names: short protein forms W814G.
Identifiers: ClinVar variation 936201 (VCV000936201.10), dbSNP rs1664282523, ClinGen allele CA346472213.
Genomic context (GRCh38, chr2:29,233,612, plus strand): 5'-GCACACACCATACCTTAAATACGTAGGTGGCTCCACCCCCTCCTCCTCCGCCTCCTGCCC[A>C]CTCATGCACGCTTCTGTTCACACGGATTTCTTCTTCTATCACATTGTTCTCTCCAATGCA-3'
Protein context (NP_004295.2, residues 804-824): EIRVNRSVHE[Trp814Gly]AGGGGGGGGA

ClinVar aggregate classification (germline): Uncertain significance. Review status: criteria provided, multiple submitters, no conflicts (2 of 4 stars). 2 submissions from 2 submitters: Uncertain significance (2). Last evaluated 2026-07-17.

Conditions:
Neuroblastoma, susceptibility to, 3. Also called: ALK-Related Neuroblastic Tumor Susceptibility. Identifiers: Orphanet 635, MedGen C2751681, MONDO:0013083, OMIM 613014.
Hereditary cancer-predisposing syndrome. Also called: Neoplastic Syndromes, Hereditary; Hereditary Cancer Syndrome; Tumor predisposition; Hereditary neoplastic syndrome. Identifiers: Orphanet 140162, MedGen C0027672, MeSH D009386, MONDO:0015356.

Submissions (2):

Ambry Genetics
Classification: Uncertain significance for Hereditary cancer-predisposing syndrome. Last evaluated: 2026-07-17. Review status: criteria provided, single submitter. Criteria: Ambry Variant Classification Scheme 2023. Collection method: clinical testing. Allele origin: germline.
Comment: The p.W814G variant (also known as c.2440T>G), located in coding exon 14 of the ALK gene, results from a T to G substitution at nucleotide position 2440. The tryptophan at codon 814 is replaced by glycine, an amino acid with highly dissimilar properties. This amino acid position is conserved. In addition, the in silico prediction for this alteration is inconclusive. Based on the available evidence, the clinical significance of this variant remains unclear.

Labcorp Genetics (formerly Invitae), Labcorp
Classification: Uncertain significance for Neuroblastoma, susceptibility to, 3. Last evaluated: 2022-09-06. Review status: criteria provided, single submitter. Criteria: Invitae Variant Classification Sherloc (09022015). Collection method: clinical testing. Allele origin: germline.
Comment: In summary, the available evidence is currently insufficient to determine the role of this variant in disease. Therefore, it has been classified as a Variant of Uncertain Significance. Algorithms developed to predict the effect of missense changes on protein structure and function (SIFT, PolyPhen-2, Align-GVGD) all suggest that this variant is likely to be disruptive. ClinVar contains an entry for this variant (Variation ID: 936201). This variant has not been reported in the literature in individuals affected with ALK-related conditions. This variant is not present in population databases (gnomAD no frequency). This sequence change replaces tryptophan, which is neutral and slightly polar, with glycine, which is neutral and non-polar, at codon 814 of the ALK protein (p.Trp814Gly).